The following is an entry in ClinVar:

ClinVar aggregate classification (germline): Uncertain significance. Review status: criteria provided, multiple submitters, no conflicts (2 of 4 stars). 2 submissions from 2 submitters: Uncertain significance (2). Last evaluated 2025-01-02.

Submissions (2):

ARUP Laboratories, Molecular Genetics and Genomics, ARUP Laboratories
Classification: Uncertain significance. Last evaluated: 2025-01-02. Review status: criteria provided, single submitter. Criteria: ARUP Molecular Germline Variant Investigation Process 2024. Collection method: clinical testing. Allele origin: germline.
Comment: The Hb J-Medellin variant (HBA2: c.68G>A; p.Gly23Asp, also known as Gly22Asp when numbered from the mature protein, rs281864818, HbVar ID: 31, ClinVar Variation IDs: 2681968), is reported in the heterozygote state in the HbVar database, but clinical presentation details were not provided (see link). This variant is absent from the Genome Aggregation Database (v2.1.1), indicating it is not a common polymorphism. Computational analyses are uncertain whether this variant is neutral or deleterious (REVEL: 0.523). Due to limited information, the clinical significance of this variant is uncertain at this time. References: Link to HbVar database

Quest Diagnostics Nichols Institute San Juan Capistrano
Classification: Uncertain significance. Last evaluated: 2023-01-27. Review status: criteria provided, single submitter. Criteria: Quest Diagnostics criteria. Collection method: clinical testing. Allele origin: unknown.
Comment: To the best of our knowledge, the variant has not been reported in the published literature. It also has not been reported in large, multi-ethnic general populations. Analysis of this variant using bioinformatics tools for the prediction of the effect of amino acid changes on protein structure and function yielded predictions that this variant is benign. Based on the available information, we are unable to determine the clinical significance of this variant.

NM_000517.6(HBA2):c.68G>A (p.Gly23Asp)

Genes: HBA2 (hemoglobin subunit alpha 2; plus strand), LOC106804612 (hemoglobin subunit alpha 2 recombination region; plus strand). Cytogenetic location: 16p13.3.
Variant type: single nucleotide variant.
Coding change: c.68G>A on transcript NM_000517.6 (MANE Select); coding-DNA position 68, G replaced by A.
Protein change: p.Gly23Asp; replaces glycine 23 with aspartic acid.
Molecular consequence: missense variant.
Genome position (GRCh38, 1-based): chr16:172,980, G>A. VCF-style: chr16-172980-G-A. GRCh37 (hg19) VCF-style: chr16-222979-G-A.
Other names: short protein forms G23D.
Identifiers: ClinVar variation 2681968 (VCV002681968.3), dbSNP rs281864818, ClinGen allele CA276414429.